The following is an entry in ClinVar:

NM_004370.6(COL12A1):c.6427G>C (p.Val2143Leu)

Gene: COL12A1 (collagen type XII alpha 1 chain; minus strand). Cytogenetic location: 6q13.
Variant type: single nucleotide variant.
Coding change: c.6427G>C on transcript NM_004370.6 (MANE Select); coding-DNA position 6427, G replaced by C.
Protein change: p.Val2143Leu; replaces valine 2143 with leucine.
Molecular consequence: missense variant.
Genome position (GRCh38, 1-based): chr6:75,126,384, C>G on the plus strand (G>C on the coding strand, the complement: COL12A1 is on the minus strand). VCF-style: chr6-75126384-C-G. GRCh37 (hg19) VCF-style: chr6-75836100-C-G.
Other names: c.2935G>C, p.Val979Leu (NM_080645.3); short protein forms V979L, V2143L.
Identifiers: ClinVar variation 1040854 (VCV001040854.15), dbSNP rs186836845, ClinGen allele CA3892815.

ClinVar aggregate classification (germline): Conflicting classifications of pathogenicity. Review status: criteria provided, conflicting classifications (1 of 4 stars). 5 submissions from 5 submitters: Uncertain significance (4); Likely benign (1). Last evaluated 2025-12-11.

Conditions:
Inborn genetic diseases. Identifiers: MedGen C0950123, MeSH D030342.
Ullrich congenital muscular dystrophy 2 (UCMD2). Identifiers: Orphanet 75840, MedGen C4225314, MONDO:0014654, OMIM 616470.
Bethlem myopathy 2 (BTHLM2). Identifiers: Orphanet 536516, Orphanet 610, MedGen C4225313, MONDO:0034022, OMIM 616471.

Allele frequency attached by ClinVar (database versions not stated): gnomAD exomes 0.00001; ExAC 0.00003; 1000 Genomes Project 0.00060; 1000 Genomes Project 30x 0.00062.
gnomAD v4.1: 29 of 1,611,314 alleles (0.0018%); highest among the groups gnomAD compares: South Asian, 0.027%; no homozygotes.

Submissions (5):

Ambry Genetics
Classification: Uncertain significance for Inborn genetic diseases. Last evaluated: 2025-12-11. Review status: criteria provided, single submitter. Criteria: Ambry Variant Classification Scheme 2023. Collection method: clinical testing. Allele origin: germline.

Labcorp Genetics (formerly Invitae), Labcorp
Classification: Likely benign for Bethlem myopathy 2; Ullrich congenital muscular dystrophy 2. Last evaluated: 2024-10-18. Review status: criteria provided, single submitter. Criteria: Invitae Variant Classification Sherloc (09022015). Collection method: clinical testing. Allele origin: germline.

Blueprint Genetics
Classification: Uncertain significance. Last evaluated: 2021-07-01. Review status: criteria provided, single submitter. Criteria: ACMG Guidelines, 2015. Collection method: clinical testing. Allele origin: germline.

Revvity Omics, Revvity
Classification: Uncertain significance. Last evaluated: 2021-02-03. Review status: criteria provided, single submitter. Criteria: ACMG Guidelines, 2015. Collection method: clinical testing. Allele origin: germline.

GeneDx
Classification: Uncertain significance. Last evaluated: 2020-09-02. Review status: criteria provided, single submitter. Criteria: GeneDx Variant Classification Process June 2021. Collection method: clinical testing. Allele origin: germline. Affected: yes.
Comment: Has not been previously published as pathogenic or benign to our knowledge; In silico analysis, which includes protein predictors and evolutionary conservation, supports that this variant does not alter protein structure/function